The following is an entry in ClinVar:

ClinVar aggregate classification (germline): Conflicting classifications of pathogenicity. Review status: criteria provided, conflicting classifications (1 of 4 stars). 6 submissions from 6 submitters: Pathogenic (1); Likely pathogenic (1); Uncertain significance (3). 1 of the submissions does not count toward it. Last evaluated 2025-08-11.

Conditions:
Gaucher disease. Also called: Acute cerebral Gaucher disease; Cerebroside lipidosis syndrome; Gaucher splenomegaly; Sphingolipidosis 1; Glucocerebrosidosis; Glucosylceramidase deficiency. Identifiers: Orphanet 355, MedGen C0017205, MONDO:0018150.

Allele frequency attached by ClinVar (database versions not stated): gnomAD exomes 0.00002.
gnomAD v4.1: 25 of 1,614,142 alleles (0.0015%); highest among the groups gnomAD compares: Non-Finnish European, 0.0021%; no homozygotes.

Submissions (6):

Revvity Omics, Revvity
Classification: Likely pathogenic. Last evaluated: 2025-08-11. Review status: criteria provided, single submitter. Criteria: ACMG Guidelines, 2015. Collection method: clinical testing. Allele origin: germline.

GeneDx
Classification: Uncertain significance. Last evaluated: 2024-02-26. Review status: criteria provided, single submitter. Criteria: GeneDx Variant Classification Process June 2021. Collection method: clinical testing. Allele origin: germline. Affected: yes.
Comment: Reported with a second variant in the GBA gene in a patient with type 1 Gaucher disease in published literature; however, segregation information was not provided (PMID: 8547070); Identified in the heterozygous state in a patient with dementia with Lewy bodies in published literature (PMID: 31996268); Reported in at least one patient with Parkinson disease in published literature; however, it is unknown whether testing for other genes associated with Parkinson disease was completed (PMID: 29378790); In silico analysis supports that this missense variant has a deleterious effect on protein structure/function; Also known as p.(D315H); This variant is associated with the following publications: (PMID: 16185900, 18338393, 9516376, 17803231, 8547070, 29378790, 31996268)

Broad Center for Mendelian Genomics, Broad Institute of MIT and Harvard
Classification: Uncertain significance for Gaucher disease. Last evaluated: 2020-01-15. Review status: criteria provided, single submitter. Criteria: ACMG Guidelines, 2015. Collection method: curation. Allele origin: germline. Inheritance: Autosomal recessive inheritance.
Comment: Although this variant has been seen in the general population, its frequency is low enough to be consistent with a recessive carrier frequency. This variant has also been reported in ClinVar (VariationID: 93444) as pathogenic by EGL Genetic Diagnostics. Computational prediction tools and conservation analyses suggest that this variant may impact the protein, though this information is not predictive enough to determine pathogenicity. The presence of this variant in combination with a reported pathogenic variant and in an individual with Gaucher disease increases the likelihood that the p.Asp354His variant is pathogenic (VariationID: 4290; PMID: 8547070). In summary, while there is some suspicion for a pathogenic role, the clinical significance of this variant is uncertain. ACMG/AMP Criteria applied: PM2, PP3, PM3_supporting (Richards 2015).

Women's Health and Genetics/Laboratory Corporation of America, LabCorp
Classification: Uncertain significance. Last evaluated: 2018-10-15. Review status: criteria provided, single submitter. Criteria: LabCorp Variant Classification Summary - May 2015. Collection method: clinical testing. Allele origin: germline.
Comment: Variant summary: GBA c.1060G>C (p.Asp354His) results in a non-conservative amino acid change located in the Glycosyl hydrolase family 30, TIM-barrel domain of the encoded protein sequence. Five of five in-silico tools predict a damaging effect of the variant on protein function. The variant was absent in 121322 control chromosomes. c.1060G>C has been reported in the literature in an individual affected with Gaucher Disease (Walley_1995). These data do not allow any conclusion about variant significance. To our knowledge, no experimental evidence demonstrating an impact on protein function has been reported. No clinical diagnostic laboratories have submitted clinical-significance assessments for this variant to ClinVar after 2014. Based on the evidence outlined above, the variant was classified as VUS - possibly pathogenic.

Eurofins Ntd Llc (ga)
Classification: Pathogenic. Last evaluated: 2013-08-13. Review status: criteria provided, single submitter. Criteria: EGL Classification Definitions. Collection method: clinical testing. Allele origin: germline. Observed: 5 variant alleles, 5 heterozygotes.

Natera, Inc.
Classification: Uncertain significance for Gaucher disease. Last evaluated: 2020-09-16. Review status: no assertion criteria provided. Collection method: clinical testing. Allele origin: germline. Not counted in ClinVar's aggregate classification.

Literature cited by the submitters: PubMed 8547070 (cited by Broad Center for Mendelian Genomics, Broad Institute of MIT and Harvard and Women's Health and Genetics/Laboratory Corporation of America, LabCorp).

NM_000157.4(GBA1):c.1060G>C (p.Asp354His)

Genes: GBA1 (glucosylceramidase beta 1; minus strand), LOC106627981 (GBA recombination region; plus strand). Cytogenetic location: 1q22.
Variant type: single nucleotide variant.
Coding change: c.1060G>C on transcript NM_000157.4 (MANE Select); coding-DNA position 1060, G replaced by C.
Protein change: p.Asp354His; replaces aspartic acid 354 with histidine.
Molecular consequence: missense variant.
Genome position (GRCh38, 1-based): chr1:155,236,409, C>G on the plus strand (G>C on the coding strand, the complement: GBA1 is on the minus strand). VCF-style: chr1-155236409-C-G. GRCh37 (hg19) VCF-style: chr1-155206200-C-G.
Other names: c.1060G>C, p.Asp354His (NM_001005741.3, NM_001005742.3); c.799G>C, p.Asp267His (NM_001171811.2); c.913G>C, p.Asp305His (NM_001171812.2); short protein forms D354H, D267H, D305H.
Identifiers: ClinVar variation 93444 (VCV000093444.13), dbSNP rs398123526, ClinGen allele CA221379.